The following is an entry in ClinVar:

ClinVar aggregate classification (germline): Likely benign. Review status: criteria provided, single submitter (1 of 4 stars). 2 submissions from 1 submitter: Likely benign (2). Last evaluated 2018-01-12.

Conditions:
Hypobetalipoproteinemia. Identifiers: Orphanet 31154, MedGen C0020597, MONDO:0017774.
Hypercholesterolemia, autosomal dominant, 3 (FHCL3). Also called: PCSK9-Related Familial Hypercholesterolemia, Autosomal Dominant; Familial hypercholesterolemia 3; Familial Hypercholesterolemia, Autosomal Dominant, 3. Identifiers: MedGen C1863551, MONDO:0011369, OMIM 603776.

Allele frequency attached by ClinVar (database versions not stated): gnomAD 0.00048 and 0.00075; TOPMed 0.00083; gnomAD exomes 0.00245; 1000 Genomes Project 30x 0.00390; 1000 Genomes Project 0.00419.
gnomAD v4.1: 1,162 of 591,354 alleles (0.2%); highest among the groups gnomAD compares: East Asian, 3.1%; 19 homozygotes.

Submissions (2):

Illumina Laboratory Services, Illumina
Classification: Likely benign for Hypobetalipoproteinemia. Last evaluated: 2018-01-12. Review status: criteria provided, single submitter. Criteria: ICSL Variant Classification Criteria 13 December 2019. Collection method: clinical testing. Allele origin: germline.
Comment: This variant was observed in the ICSL laboratory as part of a predisposition screen in an ostensibly healthy population. It had not been previously curated by ICSL or reported in the Human Gene Mutation Database (HGMD: prior to June 1st, 2018), and was therefore a candidate for classification through an automated scoring system. Utilizing variant allele frequency, disease prevalence and penetrance estimates, and inheritance mode, an automated score was calculated to assess if this variant is too frequent to cause the disease. Based on the score and internal cut-off values, a variant classified as likely benign is not then subjected to further curation. The score for this variant resulted in a classification of likely benign for this disease.

Illumina Laboratory Services, Illumina
Classification: Likely benign for Hypercholesterolemia, autosomal dominant, 3. Last evaluated: 2018-01-12. Review status: criteria provided, single submitter. Criteria: ICSL Variant Classification Criteria 13 December 2019. Collection method: clinical testing. Allele origin: germline.
Comment: the same text as in the submission from Illumina Laboratory Services, Illumina above.

NM_174936.4(PCSK9):c.*232C>T

Gene: PCSK9 (proprotein convertase subtilisin/kexin type 9; plus strand). Cytogenetic location: 1p32.3.
Variant type: single nucleotide variant.
Coding change: c.*232C>T on transcript NM_174936.4 (MANE Select); 232 bases downstream of the stop codon, C replaced by T.
Molecular consequence: 3 prime UTR variant.
Genome position (GRCh38, 1-based): chr1:55,063,816, C>T. VCF-style: chr1-55063816-C-T. GRCh37 (hg19) VCF-style: chr1-55529489-C-T.
Other names: c.*232C>T (NM_001407240.1, NM_001407241.1, NM_001407242.1 and 5 more transcripts).
Identifiers: ClinVar variation 297718 (VCV000297718.6), dbSNP rs145330737, ClinGen allele CA10610507.
Genomic context (GRCh38, chr1:55,063,816, plus strand): 5'-CTGGAACTCACTCACTCTGGGTGCCTCCTCCCCAGGTGGAGGTGCCAGGAAGCTCCCTCC[C>T]TCACTGTGGGGCATTTCACCATTCAAACAGGTCGAGCTGTGCTCGGGTGCTGCCAGCTGC-3'